The following is an entry in ClinVar:

ClinVar aggregate classification (germline): Uncertain significance. Review status: criteria provided, multiple submitters, no conflicts (2 of 4 stars). 2 submissions from 2 submitters: Uncertain significance (2). Last evaluated 2025-04-23.

Conditions:
RASopathy. Also called: rasopathies; Noonan spectrum disorder. Identifiers: Orphanet 536391, MedGen C5555857, MONDO:0021060.
Cardiovascular phenotype. Identifiers: MedGen CN230736.

Allele frequency attached by ClinVar (database versions not stated): gnomAD exomes below 0.00001; gnomAD 0.00001.
gnomAD v4.1: 3 of 1,613,936 alleles (0.00019%); highest among the groups gnomAD compares: South Asian, 0.0033%; no homozygotes.

Submissions (2):

Labcorp Genetics (formerly Invitae), Labcorp
Classification: Uncertain significance for RASopathy. Last evaluated: 2025-04-23. Review status: criteria provided, single submitter. Criteria: Invitae Variant Classification Sherloc (09022015). Collection method: clinical testing. Allele origin: germline.
Comment: This sequence change replaces leucine, which is neutral and non-polar, with proline, which is neutral and non-polar, at codon 643 of the CBL protein (p.Leu643Pro). This variant is present in population databases (no rsID available, gnomAD 0.006%). This variant has not been reported in the literature in individuals affected with CBL-related conditions. ClinVar contains an entry for this variant (Variation ID: 2123419). Invitae Evidence Modeling of protein sequence and biophysical properties (such as structural, functional, and spatial information, amino acid conservation, physicochemical variation, residue mobility, and thermodynamic stability) indicates that this missense variant is not expected to disrupt CBL protein function with a negative predictive value of 95%. In summary, the available evidence is currently insufficient to determine the role of this variant in disease. Therefore, it has been classified as a Variant of Uncertain Significance.

Ambry Genetics
Classification: Uncertain significance for Cardiovascular phenotype. Last evaluated: 2023-02-12. Review status: criteria provided, single submitter. Criteria: Ambry Variant Classification Scheme 2023. Collection method: clinical testing. Allele origin: germline.
Comment: The p.L643P variant (also known as c.1928T>C), located in coding exon 11 of the CBL gene, results from a T to C substitution at nucleotide position 1928. The leucine at codon 643 is replaced by proline, an amino acid with similar properties. This amino acid position is conserved. In addition, the in silico prediction for this alteration is inconclusive. Since supporting evidence is limited at this time, the clinical significance of this alteration remains unclear.

NM_005188.4(CBL):c.1928T>C (p.Leu643Pro)

Gene: CBL (Cbl proto-oncogene; plus strand). Cytogenetic location: 11q23.3.
Variant type: single nucleotide variant.
Coding change: c.1928T>C on transcript NM_005188.4 (MANE Select); coding-DNA position 1928, T replaced by C.
Protein change: p.Leu643Pro; replaces leucine 643 with proline.
Molecular consequence: missense variant.
Genome position (GRCh38, 1-based): chr11:119,285,553, T>C. VCF-style: chr11-119285553-T-C. GRCh37 (hg19) VCF-style: chr11-119156263-T-C.
Other names: c.1928T>C (NM_005188.2); short protein forms L643P.
Identifiers: ClinVar variation 2123419 (VCV002123419.6), dbSNP rs1311047726, ClinGen allele CA382921016.